The following is an entry in ClinVar:

ClinVar aggregate classification (germline): Uncertain significance. Review status: criteria provided, multiple submitters, no conflicts (2 of 4 stars). 6 submissions from 6 submitters: Uncertain significance (6). Last evaluated 2025-09-26.

Conditions:
Myofibrillar myopathy 5. Also called: Filaminopathy (type); FILAMINOPATHY, AUTOSOMAL DOMINANT. Identifiers: Orphanet 171445, MedGen C1836050, MONDO:0012289, OMIM 609524.
Hypertrophic cardiomyopathy 26. Also called: Cardiomyopathy, familial hypertrophic, 26. Identifiers: Orphanet 75249, MedGen C4310749, MONDO:0014883, OMIM 617047.
Distal myopathy with posterior leg and anterior hand involvement. Also called: WILLIAMS DISTAL MYOPATHY. Identifiers: Orphanet 63273, MedGen C3279722, MONDO:0013550, OMIM 614065.
FLNC-related disorder. Also called: FLNC-related condition; FLNC-related disorders.
Cardiovascular phenotype. Identifiers: MedGen CN230736.

Allele frequency attached by ClinVar (database versions not stated): gnomAD exomes 0.00002 and 0.00003; ExAC 0.00003; TOPMed 0.00003; gnomAD 0.00004.

Submissions (6):

PreventionGenetics, part of Exact Sciences
Classification: Uncertain significance for FLNC-related condition. Last evaluated: 2025-09-26. Review status: criteria provided, single submitter. Criteria: ACMG Guidelines, 2015. Collection method: clinical testing. Allele origin: germline.
Comment: The FLNC c.1082G>A variant is predicted to result in the amino acid substitution p.Arg361His. To our knowledge, this variant has not been reported in the literature. This variant is reported in 0.0083% of alleles in individuals of African descent in gnomAD. At this time, the clinical significance of this variant is uncertain due to the absence of conclusive functional and genetic evidence.

Labcorp Genetics (formerly Invitae), Labcorp
Classification: Uncertain significance for Distal myopathy with posterior leg and anterior hand involvement; Myofibrillar myopathy 5; Hypertrophic cardiomyopathy 26. Last evaluated: 2025-08-11. Review status: criteria provided, single submitter. Criteria: Invitae Variant Classification Sherloc (09022015). Collection method: clinical testing. Allele origin: germline.
Comment: This sequence change replaces arginine, which is basic and polar, with histidine, which is basic and polar, at codon 361 of the FLNC protein (p.Arg361His). This variant is present in population databases (rs752888774, gnomAD 0.008%). This variant has not been reported in the literature in individuals affected with FLNC-related conditions. ClinVar contains an entry for this variant (Variation ID: 374556). An algorithm developed to predict the effect of missense changes on protein structure and function outputs the following: PolyPhen-2: "Benign". The histidine amino acid residue is found in multiple mammalian species, which suggests that this missense change does not adversely affect protein function. In summary, the available evidence is currently insufficient to determine the role of this variant in disease. Therefore, it has been classified as a Variant of Uncertain Significance.

CeGaT Center for Human Genetics Tuebingen
Classification: Uncertain significance. Last evaluated: 2025-08-01. Review status: criteria provided, single submitter. Criteria: CeGaT Center For Human Genetics Tuebingen Variant Classification Criteria Version 2. Collection method: clinical testing. Allele origin: germline. Affected: yes. Observed: 2 variant alleles.
Comment: FLNC: PM2:Supporting, BP4

Ambry Genetics
Classification: Uncertain significance for Cardiovascular phenotype. Last evaluated: 2025-07-12. Review status: criteria provided, single submitter. Criteria: Ambry Variant Classification Scheme 2023. Collection method: clinical testing. Allele origin: germline.
Comment: The p.R361H variant (also known as c.1082G>A), located in coding exon 7 of the FLNC gene, results from a G to A substitution at nucleotide position 1082. The arginine at codon 361 is replaced by histidine, an amino acid with highly similar properties. This amino acid position is not well conserved in available vertebrate species. In addition, this alteration is predicted to be tolerated by in silico analysis. Since supporting evidence is limited at this time, the clinical significance of this alteration remains unclear.

GeneDx
Classification: Uncertain significance. Last evaluated: 2024-08-05. Review status: criteria provided, single submitter. Criteria: GeneDx Variant Classification Process June 2021. Collection method: clinical testing. Allele origin: germline. Affected: yes.
Comment: In silico analysis supports that this missense variant has a deleterious effect on protein structure/function; Has not been previously published as pathogenic or benign to our knowledge

Fulgent Genetics
Classification: Uncertain significance for Myofibrillar myopathy 5; Distal myopathy with posterior leg and anterior hand involvement; Hypertrophic cardiomyopathy 26. Last evaluated: 2021-11-05. Review status: criteria provided, single submitter. Criteria: ACMG Guidelines, 2015. Collection method: clinical testing. Allele origin: unknown.

NM_001458.5(FLNC):c.1082G>A (p.Arg361His)

Gene: FLNC (filamin C; plus strand). Cytogenetic location: 7q32.1.
Variant type: single nucleotide variant.
Coding change: c.1082G>A on transcript NM_001458.5 (MANE Select); coding-DNA position 1082, G replaced by A.
Protein change: p.Arg361His; replaces arginine 361 with histidine.
Molecular consequence: missense variant.
Genome position (GRCh38, 1-based): chr7:128,838,301, G>A. VCF-style: chr7-128838301-G-A. GRCh37 (hg19) VCF-style: chr7-128478355-G-A.
Other names: c.1082G>A, p.Arg361His (NM_001127487.2); short protein forms R361H.
Identifiers: ClinVar variation 374556 (VCV000374556.56), dbSNP rs752888774, ClinGen allele CA4474230.
Genomic context (GRCh38, chr7:128,838,301, plus strand): 5'-GCTAACCTTTGACCTCTGACCCCTAGGTGACCGTGCTCTTTGCTGGCCAGAACATTGAAC[G>A]CAGTCCCTTTGAGGTGAACGTGGGCATGGCCCTGGGAGATGCCAACAAGGTGTCAGCCCG-3'
Protein context (NP_001449.3, residues 351-371): TVLFAGQNIE[Arg361His]SPFEVNVGMA